The following is an entry in ClinVar:

NM_001365536.1(SCN9A):c.2261_2262del (p.Ile754fs)

Genes: SCN1A-AS1 (SCN1A and SCN9A antisense RNA 1; plus strand), SCN9A (sodium voltage-gated channel alpha subunit 9; minus strand). Cytogenetic location: 2q24.3.
Variant type: Deletion.
Coding change: c.2261_2262del on transcript NM_001365536.1 (MANE Select); coding-DNA positions 2261 to 2262, 2 bases deleted (TA; older notation c.2261_2262delTA).
Protein change: p.Ile754fs; shifts the reading frame from isoleucine 754.
Molecular consequence: frameshift variant.
Genome position (GRCh38, 1-based): chr2:166,280,438-166,280,439, TA deleted on the plus strand (TA on the coding strand, the reverse complement: SCN9A is on the minus strand); deleting any 2 consecutive bases within chr2:166,280,438-166,280,440 gives the same sequence; the c. name uses the placement nearest the transcript's 3' end. VCF-style (leftmost placement, unchanged base first): chr2-166280437-CTA-C. GRCh37 (hg19) VCF-style: chr2-167136947-CTA-C.
Other names: c.2228_2229del, p.Ile743fs (NM_002977.4); short protein forms I743fs, I754fs.
Identifiers: ClinVar variation 4852848 (VCV004852848.1).
Genomic context (GRCh38, chr2:166,280,437, plus strand): 5'-CATTTTTGAATTCCTCAGTCATTGGGTGGTGTTCCATAGCCATAAATAATGTGTTTAAAA[CTA>C]TGCAAATGGTAATTGCAAGATCTACAAAAGGATCCATTACAATAAAATAGATACACTTTT-3'

ClinVar aggregate classification (germline): Likely pathogenic (1 of 4 stars; one submission).

Conditions:
Channelopathy-associated congenital insensitivity to pain, autosomal recessive. Also called: ASYMBOLIA FOR PAIN; CONGENITAL ANALGESIA, AUTOSOMAL RECESSIVE; Insensitivity to pain, channelopathy-associated. Identifiers: Orphanet 88642, Orphanet 970, MedGen C1855739, MONDO:0009459, OMIM 243000.

Submission:

Medical Molecular Genetics, National Research Centre
Classification: Likely pathogenic for Channelopathy-associated congenital insensitivity to pain, autosomal recessive. Last evaluated: 2026-04-28. Review status: criteria provided, single submitter. Criteria: ACMG Guidelines, 2015. Collection method: research. Allele origin: inherited. Affected: yes.
Comment: The p.(Ile754SerfsTer16) variant causes a frameshift starting at codon 754 and introduces a premature termination codon 16 amino acids downstream. The variant is predicted to result in loss of normal SCN9A function.